The following is an entry in ClinVar:

ClinVar aggregate classification (germline): Likely benign. Review status: criteria provided, multiple submitters, no conflicts (2 of 4 stars). 2 submissions from 2 submitters: Likely benign (2). Last evaluated 2022-08-04.

Conditions:
Marfan syndrome (MFS). Also called: MARFAN SYNDROME, TYPE I; FBN1-Related Marfan Syndrome; Marfan syndrome type 1; Marfan's syndrome; Marfan syndrome, classic. Identifiers: Orphanet 284963, Orphanet 558, MedGen C0024796, MONDO:0007947, OMIM 154700.
Familial thoracic aortic aneurysm and aortic dissection (TAAD). Also called: Thoracic aortic aneurysms and dissections. Identifiers: Orphanet 91387, MedGen C4707243, MONDO:0019625.

Submissions (2):

Labcorp Genetics (formerly Invitae), Labcorp
Classification: Likely benign for Marfan syndrome; Familial thoracic aortic aneurysm and aortic dissection. Last evaluated: 2022-08-04. Review status: criteria provided, single submitter. Criteria: Invitae Variant Classification Sherloc (09022015). Collection method: clinical testing. Allele origin: germline.

GeneDx
Classification: Likely benign. Last evaluated: 2018-04-26. Review status: criteria provided, single submitter. Criteria: GeneDx Variant Classification (06012015). Collection method: clinical testing. Allele origin: germline. Affected: yes.
Comment: This variant is considered likely benign or benign based on one or more of the following criteria: it is a conservative change, it occurs at a poorly conserved position in the protein, it is predicted to be benign by multiple in silico algorithms, and/or has population frequency not consistent with disease.

NM_000138.5(FBN1):c.3463+15T>A

Gene: FBN1 (fibrillin 1; minus strand). Cytogenetic location: 15q21.1.
Variant type: single nucleotide variant.
Coding change: c.3463+15T>A on transcript NM_000138.5 (MANE Select); 15 bases into the intron after coding-DNA position 3463, T replaced by A.
Molecular consequence: intron variant.
Genome position (GRCh38, 1-based): chr15:48,487,297, A>T on the plus strand (T>A on the coding strand, the complement: FBN1 is on the minus strand). VCF-style: chr15-48487297-A-T. GRCh37 (hg19) VCF-style: chr15-48779494-A-T.
Identifiers: ClinVar variation 682286 (VCV000682286.5), dbSNP rs1597563076, ClinGen allele CA915946577.